The following is an entry in ClinVar:

ClinVar aggregate classification (germline): Pathogenic (1 of 4 stars; one submission).

Conditions:
Progressive sclerosing poliodystrophy (MTDPS4A). Also called: Alpers-Huttenlocher Syndrome (AHS); Alpers Syndrome; ALPERS PROGRESSIVE INFANTILE POLIODYSTROPHY; Mitochondrial DNA depletion syndrome 4A (Alpers type); ALPERS DIFFUSE DEGENERATION OF CEREBRAL GRAY MATTER WITH HEPATIC CIRRHOSIS; Alpers-Huttenlocher Syndrome. Identifiers: Orphanet 726, MedGen C0205710, MONDO:0008758, OMIM 203700.

Submission:

Wong Mito Lab, Molecular and Human Genetics, Baylor College of Medicine
Classification: Pathogenic for Progressive sclerosing poliodystrophy. Last evaluated: 2018-10-01. Review status: criteria provided, single submitter. Criteria: ACMG Guidelines, 2015. Collection method: clinical testing. Allele origin: germline.
Comment: The NM_002693.2:c.1562del (NP_002684.1:p.Pro521LeufsTer?) [GRCH38: NC_000015.10:g.89326938del] variant in POLG gene is interpretated to be a Pathogenic based on ACMG guidelines (PMID: 25741868). This variant meets the following evidence codes reported in the ACMG-guideline. PVS1:This variant is a predicted null variant in POLG where loss of function is a known mechanism of disease. PM2:This variant is absent in key population databases. PM3:Detected in trans with a pathogenic variant for Mitochondrial DNA depletion syndrome 4A (Alpers type) which is a recessive disorder. PM4:This variant causes alteration in the length of expressed protein. PP1:This variant is co-segregated with Mitochondrial DNA depletion syndrome 4A (Alpers type) in multiple affected family members. PP4:Patient's phenotype or family history is highly specific for POLG. Based on the evidence criteria codes applied, the variant is suggested to be Pathogenic.

NM_002693.3(POLG):c.1562del (p.Pro521fs)

Gene: POLG (DNA polymerase gamma, catalytic subunit; minus strand). Cytogenetic location: 15q26.1.
Variant type: Deletion.
Coding change: c.1562del on transcript NM_002693.3 (MANE Select); coding-DNA position 1562, one base deleted (C; older notation c.1562delC).
Protein change: p.Pro521fs; shifts the reading frame from proline 521.
Molecular consequence: frameshift variant.
Genome position (GRCh38, 1-based): chr15:89,326,935, G deleted on the plus strand (C on the coding strand, the reverse complement: POLG is on the minus strand); the first of 4 consecutive G bases (chr15:89,326,935-89,326,938); deleting any one gives the same sequence. VCF-style (leftmost placement, unchanged base first): chr15-89326934-AG-A. GRCh37 (hg19) VCF-style: chr15-89870165-AG-A.
Other names: c.1562del, p.Pro521fs (NM_001126131.2); short protein forms P521fs.
Identifiers: ClinVar variation 619448 (VCV000619448.1), dbSNP rs1567191094, ClinGen allele CA10602194.
Genomic context (GRCh38, chr15:89,326,934, plus strand): 5'-ACCCCTACCCTACCCTACCTCCCACCCATGCTCCCCACCTTCCTGATCCATGGGATCACC[AG>A]GGGCCCCAGCCCCCTCGATGGGCAACTTGCTGGCTGTGGCTGGTTCCTTCTTCACCTTCT-3'